The following is an entry in ClinVar:

ClinVar aggregate classification (germline): Uncertain significance (1 of 4 stars; one submission).

Conditions:
Familial thoracic aortic aneurysm and aortic dissection (TAAD). Also called: Thoracic aortic aneurysms and dissections. Identifiers: Orphanet 91387, MedGen C4707243, MONDO:0019625.

Submission:

Ambry Genetics
Classification: Uncertain significance for Familial thoracic aortic aneurysm and aortic dissection. Last evaluated: 2015-12-03. Review status: criteria provided, single submitter. Criteria: Ambry Variant Classification Scheme 2023. Collection method: clinical testing. Allele origin: germline.
Comment: The c.3765_3767delAAAinsCTGTAC variant, located in coding exon 30 of the FBN1 gene, results from an in-frame deletion of AAA and insertion of CTGTAC between nucleotide positions 3765 and 3767, causing the removal of a highly conserved asparagine residue at codon 1256 and the insertion of cysteine and threonine residues. This variant was not reported in population based cohorts in the following databases: Database of Single Nucleotide Polymorphisms (dbSNP), NHLBI Exome Sequencing Project (ESP), and 1000 Genomes Project. In the ESP, this variant was not observed in 6494 samples (12988 alleles) with coverage at this position. Since supporting evidence is limited at this time, the clinical significance of c.3765_3767delAAAinsCTGTAC remains unclear.

NM_000138.5(FBN1):c.3765_3767delinsCTGTAC (p.Asn1256delinsCysThr)

Gene: FBN1 (fibrillin 1; minus strand). Cytogenetic location: 15q21.1.
Variant type: Indel.
Coding change: c.3765_3767delinsCTGTAC on transcript NM_000138.5 (MANE Select); coding-DNA positions 3765 to 3767, AAA replaced by CTGTAC.
Protein change: p.Asn1256delinsCysThr.
Molecular consequence: inframe indel.
Genome position (GRCh38, 1-based): chr15:48,483,889-48,483,891, TTT replaced by GTACAG on the plus strand (AAA replaced by CTGTAC on the coding strand, the reverse complement: FBN1 is on the minus strand). VCF-style: chr15-48483889-TTT-GTACAG. GRCh37 (hg19) VCF-style: chr15-48776086-TTT-GTACAG.
Other names: c.3765_3767delAAAinsCTGTAC (NM_000138.4).
Identifiers: ClinVar variation 264549 (VCV000264549.5), dbSNP rs140596, ClinGen allele CA10587831.